The following is an entry in ClinVar:

ClinVar aggregate classification (germline): Benign/Likely benign. Review status: criteria provided, multiple submitters, no conflicts (2 of 4 stars). 3 submissions from 3 submitters: Benign (1); Likely benign (2). Last evaluated 2026-01-20.

Conditions:
Charcot-Marie-Tooth disease type 2. Also called: Charcot-Marie-Tooth type 2. Identifiers: Orphanet 64746, MedGen C0270914, MONDO:0018993.

Allele frequency attached by ClinVar (database versions not stated): gnomAD 0.00001; ExAC 0.00003; gnomAD exomes 0.00003; TOPMed 0.00003.
gnomAD v4.1: 47 of 1,613,394 alleles (0.0029%); highest among the groups gnomAD compares: Middle Eastern, 0.017%; no homozygotes.

Submissions (3):

Labcorp Genetics (formerly Invitae), Labcorp
Classification: Likely benign for Charcot-Marie-Tooth disease type 2. Last evaluated: 2026-01-20. Review status: criteria provided, single submitter. Criteria: Invitae Variant Classification Sherloc (09022015). Collection method: clinical testing. Allele origin: germline.

Blueprint Genetics
Classification: Likely benign. Last evaluated: 2024-11-22. Review status: criteria provided, single submitter. Criteria: ACMG Guidelines, 2015. Collection method: clinical testing. Allele origin: germline.

GeneDx
Classification: Benign. Last evaluated: 2014-10-29. Review status: criteria provided, single submitter. Criteria: GeneDx Variant Classification (06012015). Collection method: clinical testing. Allele origin: germline. Affected: yes.
Comment: This variant is considered likely benign or benign based on one or more of the following criteria: it is a conservative change, it occurs at a poorly conserved position in the protein, it is predicted to be benign by multiple in silico algorithms, and/or has population frequency not consistent with disease.

NM_170707.4(LMNA):c.357-19T>C

Genes: LMNA (lamin A/C; plus strand), LOC126805877 (MED14-independent group 3 enhancer GRCh37_chr1:156099693-156100892; plus strand). Cytogenetic location: 1q22.
Variant type: single nucleotide variant.
Coding change: c.357-19T>C on transcript NM_170707.4 (MANE Select); 19 bases into the intron before coding-DNA position 357, T replaced by C.
Molecular consequence: intron variant.
Genome position (GRCh38, 1-based): chr1:156,130,598, T>C. VCF-style: chr1-156130598-T-C. GRCh37 (hg19) VCF-style: chr1-156100389-T-C.
Other names: c.357-19T>C (NM_001282625.2, NM_001282626.2, NM_170708.4 and 1 more transcripts); c.21-19T>C (NM_001257374.3); c.114-19T>C (NM_001282624.2).
Identifiers: ClinVar variation 200925 (VCV000200925.10), dbSNP rs757689089, ClinGen allele CA017967.
Genomic context (GRCh38, chr1:156,130,598, plus strand): 5'-GGCTGACCTCCTGGGAGCCTGGCACTGTCTAGGCACACAGACTCCTTCTCTTAAATCTAC[T>C]CTCCCCTCTCTTCTTTAGCAATACCAAGAAGGAGGGTGACCTGATAGCTGCTCAGGCTCG-3'